The following is an entry in ClinVar:

ClinVar aggregate classification (germline): Uncertain significance. Review status: criteria provided, multiple submitters, no conflicts (2 of 4 stars). 2 submissions from 2 submitters: Uncertain significance (2). Last evaluated 2024-10-11.

Conditions:
Pancreatic cancer, susceptibility to, 1. Identifiers: Orphanet 1333, MedGen C1847351, MONDO:0011739, OMIM 606856.

Allele frequency attached by ClinVar (database versions not stated): gnomAD 0.00001; gnomAD exomes 0.00002; ExAC 0.00006.
gnomAD v4.1: 30 of 1,585,148 alleles (0.0019%); highest among the groups gnomAD compares: South Asian, 0.032%; no homozygotes.

Submissions (2):

Ambry Genetics
Classification: Uncertain significance. Last evaluated: 2024-10-11. Review status: criteria provided, single submitter. Criteria: Ambry Variant Classification Scheme 2023. Collection method: clinical testing. Allele origin: germline.
Comment: The p.Q419P variant (also known as c.1256A>C), located in coding exon 4 of the PALLD gene, results from an A to C substitution at nucleotide position 1256. The glutamine at codon 419 is replaced by proline, an amino acid with similar properties. This amino acid position is conserved. In addition, the in silico prediction for this alteration is inconclusive. Since supporting evidence is limited at this time, the clinical significance of this alteration remains unclear.

Neuberg Centre For Genomic Medicine, NCGM
Classification: Uncertain significance for Pancreatic cancer, susceptibility to, 1. Last evaluated: 2024-02-01. Review status: criteria provided, single submitter. Criteria: ACMG Guidelines, 2015. Collection method: clinical testing. Allele origin: germline. Inheritance: Autosomal dominant inheritance.
Comment: This variant in PALLD gene has not been reported previously as a pathogenic variant nor as a benign variant, to our knowledge.

NM_001166108.2(PALLD):c.1256A>C (p.Gln419Pro)

Gene: PALLD (palladin, cytoskeletal associated protein; plus strand). Cytogenetic location: 4q32.3.
Variant type: single nucleotide variant.
Coding change: c.1256A>C on transcript NM_001166108.2 (MANE Select); coding-DNA position 1256, A replaced by C.
Protein change: p.Gln419Pro; replaces glutamine 419 with proline.
Molecular consequence: missense variant.
Genome position (GRCh38, 1-based): chr4:168,683,099, A>C. VCF-style: chr4-168683099-A-C. GRCh37 (hg19) VCF-style: chr4-169604250-A-C.
Other names: c.110A>C, p.Gln37Pro (NM_001166109.2); c.1256A>C, p.Gln419Pro (NM_016081.4); short protein forms Q419P, Q37P.
Identifiers: ClinVar variation 1761822 (VCV001761822.4), dbSNP rs761386762, ClinGen allele CA3135549.
Genomic context (GRCh38, chr4:168,683,099, plus strand): 5'-CATCATCTCCAAAGACAGGGGTGACCACAGCTGTGATTCAACCACTGTCTGTCCCTGTGC[A>C]ACAGGTAAGTATGCTTTGAGCCAGAGCCCATAAGGGGTCGAACTCATCAGCAAACTTGTG-3'
Protein context (NP_001159580.1, residues 409-429): AVIQPLSVPV[Gln419Pro]QVHSPTSYLC